The following is an entry in ClinVar:

ClinVar aggregate classification (germline): Likely benign (1 of 4 stars; one submission).

gnomAD v4.1: 92 of 1,562,782 alleles (0.0059%); highest among the groups gnomAD compares: East Asian, 0.038%; no homozygotes.

Submission:

CeGaT Center for Human Genetics Tuebingen
Classification: Likely benign. Last evaluated: 2025-05-01. Review status: criteria provided, single submitter. Criteria: CeGaT Center For Human Genetics Tuebingen Variant Classification Criteria Version 2. Collection method: clinical testing. Allele origin: germline. Affected: yes. Observed: 1 variant allele.
Comment: GABRA5: BP4, BP7

NM_000810.4(GABRA5):c.918C>T (p.Ser306=)

Gene: GABRA5 (gamma-aminobutyric acid type A receptor subunit alpha5; plus strand). Cytogenetic location: 15q12.
Variant type: single nucleotide variant.
Coding change: c.918C>T on transcript NM_000810.4 (MANE Select); coding-DNA position 918, C replaced by T.
Protein change: p.Ser306=; no amino-acid change (serine 306 retained).
Molecular consequence: synonymous variant.
Genome position (GRCh38, 1-based): chr15:26,943,255, C>T. VCF-style: chr15-26943255-C-T. GRCh37 (hg19) VCF-style: chr15-27188402-C-T.
Other names: c.918C>T, p.Ser306= (NM_001165037.2).
Identifiers: ClinVar variation 3905353 (VCV003905353.10).
Genomic context (GRCh38, chr15:26,943,255, plus strand): 5'-GCCCTGCCTGACCCCCGCAGGGGTCACCACGGTGCTGACCATGACGACCCTCAGCATCAG[C>T]GCCAGGAACTCTCTGCCCAAAGTGGCCTACGCCACCGCCATGGACTGGTTCATAGCCGTG-3'
Protein context (NP_000801.1, residues 296-316): TVLTMTTLSI[Ser306=]ARNSLPKVAY